The following is an entry in ClinVar:

ClinVar aggregate classification (germline): Uncertain significance. Review status: criteria provided, multiple submitters, no conflicts (2 of 4 stars). 2 submissions from 2 submitters: Uncertain significance (2). Last evaluated 2023-09-07.

Conditions:
Developmental and epileptic encephalopathy 94 (DEE94). Also called: Epileptic encephalopathy, childhood-onset; CHD2-Related Neurodevelopmental Disorders. Identifiers: Orphanet 1942, Orphanet 2382, MedGen C3809278, MONDO:0014150, OMIM 615369.

Submissions (2):

Baylor Genetics
Classification: Uncertain significance for Developmental and epileptic encephalopathy 94. Last evaluated: 2023-09-07. Review status: criteria provided, single submitter. Criteria: ACMG Guidelines, 2015. Collection method: clinical testing. Allele origin: unknown.

Labcorp Genetics (formerly Invitae), Labcorp
Classification: Uncertain significance for Developmental and epileptic encephalopathy 94. Last evaluated: 2023-06-15. Review status: criteria provided, single submitter. Criteria: Invitae Variant Classification Sherloc (09022015). Collection method: clinical testing. Allele origin: germline.
Comment: This sequence change replaces glutamine, which is neutral and polar, with lysine, which is basic and polar, at codon 1815 of the CHD2 protein (p.Gln1815Lys). This variant is not present in population databases (gnomAD no frequency). This variant has not been reported in the literature in individuals affected with CHD2-related conditions. Advanced modeling of protein sequence and biophysical properties (such as structural, functional, and spatial information, amino acid conservation, physicochemical variation, residue mobility, and thermodynamic stability) performed at Invitae indicates that this missense variant is not expected to disrupt CHD2 protein function. In summary, the available evidence is currently insufficient to determine the role of this variant in disease. Therefore, it has been classified as a Variant of Uncertain Significance.

NM_001271.4(CHD2):c.5443C>A (p.Gln1815Lys)

Gene: CHD2 (chromodomain helicase DNA binding protein 2; plus strand). Cytogenetic location: 15q26.1.
Variant type: single nucleotide variant.
Coding change: c.5443C>A on transcript NM_001271.4 (MANE Select); coding-DNA position 5443, C replaced by A.
Protein change: p.Gln1815Lys; replaces glutamine 1815 with lysine.
Molecular consequence: missense variant.
Genome position (GRCh38, 1-based): chr15:93,024,661, C>A. VCF-style: chr15-93024661-C-A. GRCh37 (hg19) VCF-style: chr15-93567891-C-A.
Other names: short protein forms Q1815K.
Identifiers: ClinVar variation 2671902 (VCV002671902.4), dbSNP rs2505651148, ClinGen allele CA393908795.